The following is an entry in ClinVar:

ClinVar aggregate classification (germline): Uncertain significance (1 of 4 stars; one submission).

Allele frequency attached by ClinVar (database versions not stated): TOPMed below 0.00001; gnomAD exomes 0.00001.
gnomAD v4.1: 8 of 1,560,876 alleles (0.00051%); highest among the groups gnomAD compares: Non-Finnish European, 0.0007%; no homozygotes.

Submission:

Labcorp Genetics (formerly Invitae), Labcorp
Classification: Uncertain significance. Last evaluated: 2022-11-23. Review status: criteria provided, single submitter. Criteria: Invitae Variant Classification Sherloc (09022015). Collection method: clinical testing. Allele origin: germline.
Comment: This variant has not been reported in the literature in individuals affected with GMNN-related conditions. In summary, the available evidence is currently insufficient to determine the role of this variant in disease. Therefore, it has been classified as a Variant of Uncertain Significance. Algorithms developed to predict the effect of missense changes on protein structure and function (SIFT, PolyPhen-2, Align-GVGD) all suggest that this variant is likely to be tolerated. This variant is present in population databases (no rsID available, gnomAD 0.002%). This sequence change replaces threonine, which is neutral and polar, with serine, which is neutral and polar, at codon 180 of the GMNN protein (p.Thr180Ser).

NM_015895.5(GMNN):c.539C>G (p.Thr180Ser)

Gene: GMNN (geminin DNA replication inhibitor; plus strand). Cytogenetic location: 6p22.3.
Variant type: single nucleotide variant.
Coding change: c.539C>G on transcript NM_015895.5 (MANE Select); coding-DNA position 539, C replaced by G.
Protein change: p.Thr180Ser; replaces threonine 180 with serine.
Molecular consequence: missense variant.
Genome position (GRCh38, 1-based): chr6:24,785,708, C>G. VCF-style: chr6-24785708-C-G. GRCh37 (hg19) VCF-style: chr6-24785936-C-G.
Other names: c.539C>G, p.Thr180Ser (NM_001251989.2, NM_001251990.2, NM_001251991.1); short protein forms T180S.
Identifiers: ClinVar variation 2967827 (VCV002967827.3), dbSNP rs1236825175, ClinGen allele CA362991879.
Genomic context (GRCh38, chr6:24,785,708, plus strand): 5'-GTGAACCTCTGGATAATTTTGAATCACTGGATAATCAGGAATTTGATTCTGAAGAAGAAA[C>G]TGTTGAGGATTCTCTAGTGGAAGACTCAGAAATTGGCACGTGTGCTGAAGGAACTGTATC-3'
Protein context (NP_056979.1, residues 170-190): DNQEFDSEEE[Thr180Ser]VEDSLVEDSE